The following is an entry in ClinVar:

ClinVar aggregate classification (germline): Uncertain significance (1 of 4 stars; one submission).

Submission:

GeneDx
Classification: Uncertain significance. Last evaluated: 2020-07-24. Review status: criteria provided, single submitter. Criteria: GeneDx Variant Classification Process June 2021. Collection method: clinical testing. Allele origin: germline. Affected: yes.
Comment: Not observed in large population cohorts (Lek et al., 2016); Canonical splice site variant in a gene for which loss-of-function is not a known mechanism of disease; Has not been previously published as pathogenic or benign to our knowledge

NM_001035.3(RYR2):c.6792+2T>G

Gene: RYR2 (ryanodine receptor 2; plus strand). Cytogenetic location: 1q43.
Variant type: single nucleotide variant.
Coding change: c.6792+2T>G on transcript NM_001035.3 (MANE Select); the canonical splice donor site of the intron after coding-DNA position 6792, T replaced by G.
Molecular consequence: splice donor variant.
Genome position (GRCh38, 1-based): chr1:237,634,994, T>G. VCF-style: chr1-237634994-T-G. GRCh37 (hg19) VCF-style: chr1-237798294-T-G.
Identifiers: ClinVar variation 1320771 (VCV001320771.2), dbSNP rs2148707729, ClinGen allele CA345394974.